The following is an entry in ClinVar:

NM_007294.4(BRCA1):c.4720G>T (p.Asp1574Tyr)

Gene: BRCA1 (BRCA1 DNA repair associated; minus strand). Cytogenetic location: 17q21.31.
Variant type: single nucleotide variant.
Coding change: c.4720G>T on transcript NM_007294.4 (MANE Select); coding-DNA position 4720, G replaced by T.
Protein change: p.Asp1574Tyr; replaces aspartic acid 1574 with tyrosine.
Molecular consequence: missense variant. On other transcripts: non-coding transcript variant (1).
Genome position (GRCh38, 1-based): chr17:43,071,194, C>A on the plus strand (G>T on the coding strand, the complement: BRCA1 is on the minus strand). VCF-style: chr17-43071194-C-A. GRCh37 (hg19) VCF-style: chr17-41223211-C-A.
Other names: c.4507G>T, p.Asp1503Tyr (NM_001407571.1, NM_001407894.1, NM_001407895.1 and 12 more transcripts); c.4786G>T, p.Asp1596Tyr (NM_001407581.1, NM_001407582.1); c.4783G>T, p.Asp1595Tyr (NM_001407583.1, NM_001407585.1, NM_001407587.1 and 1 more transcripts); c.4780G>T, p.Asp1594Tyr (NM_001407590.1, NM_001407591.1); c.4720G>T, p.Asp1574Tyr (NM_001407593.1, NM_001407594.1, NM_001407596.1 and 8 more transcripts); c.4717G>T, p.Asp1573Tyr (NM_001407610.1, NM_001407611.1, NM_001407612.1 and 17 more transcripts); c.4714G>T, p.Asp1572Tyr (NM_001407627.1, NM_001407628.1, NM_001407629.1 and 14 more transcripts); c.4711G>T, p.Asp1571Tyr (NM_001407644.1, NM_001407645.1); and 70 more; short protein forms D1527Y, D1574Y, D1595Y, D470Y, D1277Y, D1446Y, D1502Y, D1503Y.
Identifiers: ClinVar variation 936973 (VCV000936973.11), dbSNP rs2052421567, ClinGen allele CA10592067.
Genomic context (GRCh38, chr17:43,071,194, plus strand): 5'-GTATGTTGCCAACACGAGCTGACTCTGGGGCTCTGTCTTCAGAAGGATCAGATTCAGGGT[C>A]ATCAGAGAAGAGGCTGATTCCAGATTCCAGGTAAGGGGTTCCCTCTGAAAGGAATGGGAG-3'
Protein context (NP_009225.1, residues 1564-1584): LESGISLFSD[Asp1574Tyr]PESDPSEDRA

ClinVar aggregate classification (germline): Uncertain significance (1 of 4 stars; one submission).

Conditions:
Hereditary breast ovarian cancer syndrome. Also called: BRCA1- and BRCA2-Associated Hereditary Breast and Ovarian Cancer; Hereditary breast and/or ovarian cancer syndrome; Hereditary breast and ovarian cancer syndrome; Hereditary breast and ovarian cancer; Breast and ovarian cancer; Hereditary breast and ovarian cancer syndrome (HBOC). Identifiers: Orphanet 145, MedGen C0677776, MeSH D061325, MONDO:0003582. Disease mechanism: loss of function.

Submission:

Labcorp Genetics (formerly Invitae), Labcorp
Classification: Uncertain significance for Hereditary breast ovarian cancer syndrome. Last evaluated: 2019-10-14. Review status: criteria provided, single submitter. Criteria: Invitae Variant Classification Sherloc (09022015). Collection method: clinical testing. Allele origin: germline.
Comment: This sequence change replaces aspartic acid with tyrosine at codon 1574 of the BRCA1 protein (p.Asp1574Tyr). The aspartic acid residue is moderately conserved and there is a large physicochemical difference between aspartic acid and tyrosine. This variant is not present in population databases (ExAC no frequency). This variant has not been reported in the literature in individuals with BRCA1-related conditions. Algorithms developed to predict the effect of missense changes on protein structure and function are either unavailable or do not agree on the potential impact of this missense change (SIFT: "Deleterious"; PolyPhen-2: "Possibly Damaging"; Align-GVGD: "Class C0"). In summary, the available evidence is currently insufficient to determine the role of this variant in disease. Therefore, it has been classified as a Variant of Uncertain Significance.